The following is an entry in ClinVar:

ClinVar aggregate classification (germline): Benign/Likely benign. Review status: criteria provided, multiple submitters, no conflicts (2 of 4 stars). 3 submissions from 3 submitters: Benign (1); Likely benign (2). Last evaluated 2024-06-03.

Conditions:
Hereditary cancer-predisposing syndrome. Also called: Neoplastic Syndromes, Hereditary; Hereditary Cancer Syndrome; Tumor predisposition; Hereditary neoplastic syndrome. Identifiers: Orphanet 140162, MedGen C0027672, MeSH D009386, MONDO:0015356.
Familial cancer of breast. Also called: Hereditary breast cancer; BREAST CANCER, FAMILIAL; hereditary breast carcinoma. Identifiers: Orphanet 227535, MedGen C0346153, MONDO:0016419, OMIM 114480. Disease mechanism: loss of function.

Submissions (3):

Myriad Genetics, Inc.
Classification: Likely benign for Familial cancer of breast. Last evaluated: 2024-06-03. Review status: criteria provided, single submitter. Criteria: Myriad Autosomal Dominant, Autosomal Recessive and X-Linked Classification Criteria (2023). Collection method: clinical testing. Allele origin: unknown.
Comment: This variant is considered likely benign. This variant is intronic and is not expected to impact mRNA splicing.

Color Diagnostics, LLC DBA Color Health
Classification: Likely benign for Hereditary cancer-predisposing syndrome. Last evaluated: 2016-03-02. Review status: criteria provided, single submitter. Criteria: ACMG Guidelines, 2015. Collection method: clinical testing. Allele origin: germline.

GeneDx
Classification: Benign. Last evaluated: 2015-06-26. Review status: criteria provided, single submitter. Criteria: GeneDx Variant Classification Process June 2021. Collection method: clinical testing. Allele origin: germline. Affected: yes.

NM_000051.4(ATM):c.6199-20_6199-15del

Genes: ATM (ATM serine/threonine kinase; plus strand), C11orf65 (chromosome 11 open reading frame 65; minus strand). Cytogenetic location: 11q22.3.
Variant type: Deletion.
Coding change: c.6199-20_6199-15del on transcript NM_000051.4 (MANE Select); 20 bases into the intron before coding-DNA position 6199 through 15 bases into the intron before coding-DNA position 6199, 6 bases deleted (ACAAAA; older notation c.6199-20_6199-15delACAAAA).
Molecular consequence: intron variant.
Genome position (GRCh38, 1-based): chr11:108,317,353-108,317,358, ACAAAA deleted; deleting any 6 consecutive bases within chr11:108,317,349-108,317,358 gives the same sequence; the c. name uses the placement nearest the transcript's 3' end. VCF-style (leftmost placement, unchanged base first): chr11-108317348-TAAAAAC-T. GRCh37 (hg19) VCF-style: chr11-108188075-TAAAAAC-T.
Other names: c.6199-24_6199-19delAAAAAC (NM_000051.3); c.6199-20_6199-15del (NM_001351834.2); c.641-8283_641-8278del (NM_001330368.2); c.*39-8283_*39-8278del (NM_001351110.2).
Identifiers: ClinVar variation 490643 (VCV000490643.9), dbSNP rs1360645587, ClinGen allele CA601724933.